The following is an entry in ClinVar:

NM_000070.3(CAPN3):c.1355-1G>A

Genes: CAPN3 (calpain 3; plus strand), LOC130056921 (ATAC-STARR-seq lymphoblastoid active region 9300; plus strand). Cytogenetic location: 15q15.1.
Variant type: single nucleotide variant.
Coding change: c.1355-1G>A on transcript NM_000070.3 (MANE Select); the canonical splice acceptor site of the intron before coding-DNA position 1355, G replaced by A.
Molecular consequence: splice acceptor variant.
Genome position (GRCh38, 1-based): chr15:42,401,640, G>A. VCF-style: chr15-42401640-G-A. GRCh37 (hg19) VCF-style: chr15-42693838-G-A.
Other names: c.1355-1G>A (NM_024344.2); c.1211-1G>A (NM_173087.2).
Identifiers: ClinVar variation 4816128 (VCV004816128.1).

ClinVar aggregate classification (germline): Pathogenic (1 of 4 stars; one submission).

Conditions:
Autosomal recessive limb-girdle muscular dystrophy type 2A (LGMDR1). Also called: Calpainopathy; LEYDEN-MOEBIUS MUSCULAR DYSTROPHY; MUSCULAR DYSTROPHY, PELVOFEMORAL; Muscular dystrophy, limb-girdle, type 2A, Amish; Limb-girdle muscular dystrophy, type 2A. Identifiers: Orphanet 267, MedGen C1869123, MONDO:0009675, OMIM 253600. Disease mechanism: loss of function.

Submission:

Natera, Inc.
Classification: Pathogenic for Limb-girdle muscular dystrophy type 2A. Last evaluated: 2024-04-19. Review status: criteria provided, single submitter. Criteria: Natera Variant Classification Schema (03/2026). Collection method: clinical testing. Allele origin: germline.
Comment: The c.1355-1G>A variant in CAPN3 is a canonical splice acceptor site variant predicted to affect pre-mRNA splicing, which may result in an abnormal transcript and altered protein product. This variant is expected to result in nonsense mediated decay, truncation, or a dysfunctional protein product. This variant is rare in the general population with a frequency below the threshold expected for the associated phenotype(s). Another variant at this same site results in an alteration predicted to cause a similar molecular effect has been observed in individual(s) with the associated phenotype. Given the available evidence, this variant is classified as Pathogenic.